The following is an entry in ClinVar:

ClinVar aggregate classification (germline): Likely benign. Review status: criteria provided, multiple submitters, no conflicts (2 of 4 stars). 4 submissions from 4 submitters: Likely benign (4). Last evaluated 2025-08-25.

Conditions:
Hereditary breast ovarian cancer syndrome. Also called: Hereditary breast and/or ovarian cancer syndrome; BRCA1- and BRCA2-Associated Hereditary Breast and Ovarian Cancer; Breast and ovarian cancer; Hereditary breast and ovarian cancer; Hereditary breast and ovarian cancer syndrome; Hereditary breast and ovarian cancer syndrome (HBOC). Identifiers: Orphanet 145, MedGen C0677776, MeSH D061325, MONDO:0003582. Disease mechanism: loss of function.
Hereditary cancer-predisposing syndrome. Also called: Hereditary neoplastic syndrome; Tumor predisposition; Hereditary Cancer Syndrome; Neoplastic Syndromes, Hereditary. Identifiers: Orphanet 140162, MedGen C0027672, MeSH D009386, MONDO:0015356.

Allele frequency attached by ClinVar (database versions not stated): gnomAD exomes 0.00002; ExAC 0.00003; gnomAD 0.00003.
gnomAD v4.1: 7 of 1,613,874 alleles (0.00043%); highest among the groups gnomAD compares: Admixed American, 0.012%; no homozygotes.

Submissions (4):

Labcorp Genetics (formerly Invitae), Labcorp
Classification: Likely benign for Hereditary breast ovarian cancer syndrome. Last evaluated: 2025-08-25. Review status: criteria provided, single submitter. Criteria: Invitae Variant Classification Sherloc (09022015). Collection method: clinical testing. Allele origin: germline.

Women's Health and Genetics/Laboratory Corporation of America, LabCorp
Classification: Likely benign. Last evaluated: 2021-05-09. Review status: criteria provided, single submitter. Criteria: LabCorp Variant Classification Summary - May 2015. Collection method: clinical testing. Allele origin: germline.
Comment: Variant summary: BRCA2 c.9118-20T>G alters a non-conserved nucleotide located close to a canonical splice site and therefore could affect mRNA splicing, leading to a significantly altered protein sequence. 4/4 computational tools predict no significant impact on normal splicing. However, these predictions have yet to be confirmed by functional studies. The variant allele was found at a frequency of 2.4e-05 in 249834 control chromosomes. The available data on variant occurrences in the general population are insufficient to allow any conclusion about variant significance. To our knowledge, no occurrence of c.9118-20T>G in individuals affected with Hereditary Breast And Ovarian Cancer Syndrome and no experimental evidence demonstrating its impact on protein function have been reported. At-least one co-occurrence with another pathogenic variant has been observed at our laboratory (BRCA2 c.1813dupA, p.Ile605Asnfs), providing supporting evidence for a benign role. Three clinical diagnostic laboratories have submitted clinical-significance assessments for this variant to ClinVar after 2014 without evidence for independent evaluation. All laboratories classified the variant as likely benign. Based on the evidence outlined above, the variant was classified as likely benign.

GeneDx
Classification: Likely benign. Last evaluated: 2017-07-26. Review status: criteria provided, single submitter. Criteria: GeneDx Variant Classification (06012015). Collection method: clinical testing. Allele origin: germline. Affected: yes.
Comment: This variant is considered likely benign or benign based on one or more of the following criteria: it is a conservative change, it occurs at a poorly conserved position in the protein, it is predicted to be benign by multiple in silico algorithms, and/or has population frequency not consistent with disease.

Color Diagnostics, LLC DBA Color Health
Classification: Likely benign for Hereditary cancer-predisposing syndrome. Last evaluated: 2017-06-02. Review status: criteria provided, single submitter. Criteria: ACMG Guidelines, 2015. Collection method: clinical testing. Allele origin: germline.

NM_000059.4(BRCA2):c.9118-20T>G

Gene: BRCA2 (BRCA2 DNA repair associated; plus strand). Cytogenetic location: 13q13.1.
Variant type: single nucleotide variant.
Coding change: c.9118-20T>G on transcript NM_000059.4 (MANE Select); 20 bases into the intron before coding-DNA position 9118, T replaced by G.
Molecular consequence: intron variant.
Genome position (GRCh38, 1-based): chr13:32,379,987, T>G. VCF-style: chr13-32379987-T-G. GRCh37 (hg19) VCF-style: chr13-32954124-T-G.
Identifiers: ClinVar variation 491371 (VCV000491371.15), dbSNP rs776528159, ClinGen allele CA6941342.
Genomic context (GRCh38, chr13:32,379,987, plus strand): 5'-ATTGTAATTTTTCAGTTTTGATAAGTGCTTGTTAGTTTATGGAATCTCCATATGTTGAAT[T>G]TTTGTTTTGTTTTCTGTAGGTTTCAGATGAAATTTTATTTCAGATTTACCAGCCACGGGA-3'